The following is an entry in ClinVar:

NM_000062.3(SERPING1):c.779A>G (p.Glu260Gly)

Gene: SERPING1 (serpin family G member 1; plus strand). Cytogenetic location: 11q12.1.
Variant type: single nucleotide variant.
Coding change: c.779A>G on transcript NM_000062.3 (MANE Select); coding-DNA position 779, A replaced by G.
Protein change: p.Glu260Gly; replaces glutamic acid 260 with glycine.
Molecular consequence: missense variant.
Genome position (GRCh38, 1-based): chr11:57,606,103, A>G. VCF-style: chr11-57606103-A-G. GRCh37 (hg19) VCF-style: chr11-57373576-A-G.
Other names: c.779A>G, p.Glu260Gly (NM_001032295.2); short protein forms E260G.
Identifiers: ClinVar variation 3653156 (VCV003653156.2).
Genomic context (GRCh38, chr11:57,606,103, plus strand): 5'-CTCGGACCCTGTACAGCAGCAGCCCCAGAGTCCTAAGCAACAACAGTGACGCCAACTTGG[A>G]GCTCATCAACACCTGGGTGGCCAAGAACACCAACAACAAGATCAGCCGGCTGCTAGACAG-3'
Protein context (NP_000053.2, residues 250-270): VLSNNSDANL[Glu260Gly]LINTWVAKNT

ClinVar aggregate classification (germline): Uncertain significance (1 of 4 stars; one submission).

gnomAD v4.1: 1 of 1,613,970 alleles (0.000062%); highest among the groups gnomAD compares: Non-Finnish European, 0.000085%; no homozygotes.

Submission:

Labcorp Genetics (formerly Invitae), Labcorp
Classification: Uncertain significance. Last evaluated: 2024-05-12. Review status: criteria provided, single submitter. Criteria: Invitae Variant Classification Sherloc (09022015). Collection method: clinical testing. Allele origin: germline.
Comment: This sequence change replaces glutamic acid, which is acidic and polar, with glycine, which is neutral and non-polar, at codon 260 of the SERPING1 protein (p.Glu260Gly). This variant is present in population databases (no rsID available, gnomAD 0.007%). This variant has not been reported in the literature in individuals affected with SERPING1-related conditions. Advanced modeling of protein sequence and biophysical properties (such as structural, functional, and spatial information, amino acid conservation, physicochemical variation, residue mobility, and thermodynamic stability) has been performed at Invitae for this missense variant, however the output from this modeling did not meet the statistical confidence thresholds required to predict the impact of this variant on SERPING1 protein function. In summary, the available evidence is currently insufficient to determine the role of this variant in disease. Therefore, it has been classified as a Variant of Uncertain Significance.